The following is an entry in ClinVar:

NM_144997.7(FLCN):c.1538+16G>A

Gene: FLCN (folliculin; minus strand). Cytogenetic location: 17p11.2.
Variant type: single nucleotide variant.
Coding change: c.1538+16G>A on transcript NM_144997.7 (MANE Select); 16 bases into the intron after coding-DNA position 1538, G replaced by A.
Molecular consequence: intron variant.
Genome position (GRCh38, 1-based): chr17:17,214,969, C>T on the plus strand (G>A on the coding strand, the complement: FLCN is on the minus strand). VCF-style: chr17-17214969-C-T. GRCh37 (hg19) VCF-style: chr17-17118283-C-T.
Other names: c.1538+16G>A (NM_001353231.2, NM_001353230.2); c.1592+16G>A (NM_001353229.2).
Identifiers: ClinVar variation 2999369 (VCV002999369.3), dbSNP rs2544140084, ClinGen allele CA2740095281.

ClinVar aggregate classification (germline): Uncertain significance (1 of 4 stars; one submission).

Conditions:
Birt-Hogg-Dube syndrome. Also called: Birt Hogg Dubé syndrome. Identifiers: Orphanet 122, MedGen C0346010, MONDO:0800444.

Submission:

Labcorp Genetics (formerly Invitae), Labcorp
Classification: Uncertain significance for Birt-Hogg-Dube syndrome. Last evaluated: 2023-09-12. Review status: criteria provided, single submitter. Criteria: Invitae Variant Classification Sherloc (09022015). Collection method: clinical testing. Allele origin: germline.
Comment: This sequence change falls in intron 13 of the FLCN gene. It does not directly change the encoded amino acid sequence of the FLCN protein. This variant is not present in population databases (gnomAD no frequency). This variant has not been reported in the literature in individuals affected with FLCN-related conditions. Algorithms developed to predict the effect of sequence changes on RNA splicing suggest that this variant may disrupt the consensus splice site. In summary, the available evidence is currently insufficient to determine the role of this variant in disease. Therefore, it has been classified as a Variant of Uncertain Significance.